The following is an entry in ClinVar:

ClinVar aggregate classification (germline): Uncertain significance (1 of 4 stars; one submission).

Conditions:
Congenital factor V deficiency. Also called: Hereditary factor V deficiency disease; LABILE FACTOR DEFICIENCY; OWREN PARAHEMOPHILIA; PARAHEMOPHILIA. Identifiers: Orphanet 326, MedGen C0015499, MONDO:0009210, OMIM 227400.

Submission:

Labcorp Genetics (formerly Invitae), Labcorp
Classification: Uncertain significance for Congenital factor V deficiency. Last evaluated: 2025-03-13. Review status: criteria provided, single submitter. Criteria: Invitae Variant Classification Sherloc (09022015). Collection method: clinical testing. Allele origin: germline.
Comment: This variant, c.3804_3938del, results in the deletion of 45 amino acid(s) of the F5 protein (p.Leu1276_Pro1320del), but otherwise preserves the integrity of the reading frame. This variant is present in population databases (no rsID available, gnomAD 0.02%). This variant has not been reported in the literature in individuals affected with F5-related conditions. Experimental studies and prediction algorithms are not available or were not evaluated, and the functional significance of this variant is currently unknown. In summary, the available evidence is currently insufficient to determine the role of this variant in disease. Therefore, it has been classified as a Variant of Uncertain Significance.

NM_000130.5(F5):c.3804_3938del (p.Leu1276_Pro1320del)

Gene: F5 (coagulation factor V; minus strand). Cytogenetic location: 1q24.2.
Variant type: Deletion.
Coding change: c.3804_3938del on transcript NM_000130.5 (MANE Select); coding-DNA positions 3804 to 3938, 135 bases deleted.
Protein change: p.Leu1276_Pro1320del.
Genome position (GRCh38, 1-based): chr1:169,541,152-169,541,286, 135 bases deleted. GRCh37 (hg19): chr1:169,510,422-169,510,556.
Identifiers: ClinVar variation 4773234 (VCV004773234.1).